The following is an entry in ClinVar:

NM_000094.4(COL7A1):c.3456_3470delinsC (p.Arg1153fs)

Gene: COL7A1 (collagen type VII alpha 1 chain; minus strand). Cytogenetic location: 3p21.31.
Variant type: Indel.
Coding change: c.3456_3470delinsC on transcript NM_000094.4 (MANE Select); coding-DNA positions 3456 to 3470, GCGCCGCCAGCACGT replaced by C.
Protein change: p.Arg1153fs; shifts the reading frame from arginine 1153.
Molecular consequence: frameshift variant.
Genome position (GRCh38, 1-based): chr3:48,586,412-48,586,426, ACGTGCTGGCGGCGC replaced by G on the plus strand (GCGCCGCCAGCACGT replaced by C on the coding strand, the reverse complement: COL7A1 is on the minus strand). VCF-style: chr3-48586412-ACGTGCTGGCGGCGC-G. GRCh37 (hg19) VCF-style: chr3-48623845-ACGTGCTGGCGGCGC-G.
Other names: short protein forms R1153fs.
Identifiers: ClinVar variation 5014318 (VCV005014318.1).

ClinVar aggregate classification (germline): Pathogenic (1 of 4 stars; one submission).

Conditions:
Recessive dystrophic epidermolysis bullosa (RDEB). Also called: DYSTROPHIC EPIDERMOLYSIS BULLOSA, AUTOSOMAL RECESSIVE; EPIDERMOLYSIS BULLOSA DYSTROPHICA, HALLOPEAU-SIEMENS TYPE; Hallopeau-Siemens Disease; severe generalized recessive dystrophic epidermolysis bullosa; EPIDERMOLYSIS BULLOSA DYSTROPHICA, GENERALIZED SEVERE, AUTOSOMAL RECESSIVE; Epidermolysis Bullosa Distrophica Autosomal Recessive (RDEB). Identifiers: Orphanet 79408, Orphanet 79409, MedGen C0079474, MONDO:0009179, OMIM 226600.

Submission:

Myriad Genetics, Inc.
Classification: Pathogenic for Recessive dystrophic epidermolysis bullosa. Last evaluated: 2025-04-08. Review status: criteria provided, single submitter. Criteria: Myriad Autosomal Dominant, Autosomal Recessive and X-Linked Classification Criteria (2023). Collection method: clinical testing. Allele origin: unknown.
Comment: NM_000094.3(COL7A1):c.3456_3470del15ins1(R1153Tfs*10) is expected to be pathogenic in the context of dystrophic epidermolysis bullosa. This variant is predicted to lead to an abnormal or absent protein product due to the creation of a premature termination codon in COL7A1, a gene where loss-of-function variants are known to be pathogenic. Please note: this variant was assessed in the context of healthy population screening.